The following is an entry in ClinVar:

NC_000011.10:g.47848405C>A

Genes: NUP160 (nucleoporin 160; minus strand), LOC130005685 (ATAC-STARR-seq lymphoblastoid active region 4704; plus strand). Cytogenetic location: 11p11.2.
Variant type: single nucleotide variant.
Molecular consequence: missense variant (on NM_001318399.1).
Genome position: GRCh38 VCF-style: chr11-47848405-C-A. GRCh37 (hg19) VCF-style: chr11-47869957-C-A.
Other names: c.16G>T, p.Ala6Ser (NM_001318399.1); short protein forms A6S.
Identifiers: ClinVar variation 2764914 (VCV002764914.6), dbSNP rs199997399, ClinGen allele CA5981793.

ClinVar aggregate classification (germline): Likely benign. Review status: criteria provided, multiple submitters, no conflicts (2 of 4 stars). 3 submissions from 3 submitters: Likely benign (2). 1 of the submissions does not count toward it. Last evaluated 2025-09-04.

Conditions:
NUP160-related disorder. Also called: NUP160-related condition.

Allele frequency attached by ClinVar (database versions not stated): ExAC 0.00026; 1000 Genomes Project 0.00040; ESP Exome Variant Server 0.00041; TOPMed 0.00065; 1000 Genomes Project 30x 0.00047; gnomAD 0.00078.

Submissions (3):

Labcorp Genetics (formerly Invitae), Labcorp
Classification: Likely benign. Last evaluated: 2025-09-04. Review status: criteria provided, single submitter. Criteria: Invitae Variant Classification Sherloc (09022015). Collection method: clinical testing. Allele origin: germline.

Breakthrough Genomics
Classification: Likely benign. Review status: criteria provided, single submitter. Criteria: ACMG Guidelines, 2015. Collection method: not provided. Allele origin: germline. Inheritance: Autosomal recessive inheritance. Affected: yes.

PreventionGenetics, part of Exact Sciences
Classification: Likely benign for NUP160-related condition. Last evaluated: 2022-12-01. Review status: no assertion criteria provided. Collection method: clinical testing. Allele origin: germline. Not counted in ClinVar's aggregate classification.
Comment: This variant is classified as likely benign based on ACMG/AMP sequence variant interpretation guidelines (Richards et al. 2015 PMID: 25741868, with internal and published modifications).